The following is an entry in ClinVar:

ClinVar aggregate classification (germline): Uncertain significance (0 of 4 stars; one submission).

Conditions:
AGO1-related disorder. Also called: AGO1-related condition.

Submission:

PreventionGenetics, part of Exact Sciences
Classification: Uncertain significance for AGO1-related condition. Last evaluated: 2024-04-09. Review status: no assertion criteria provided. Collection method: clinical testing. Allele origin: germline.
Comment: The AGO1 c.49dupC variant is predicted to result in a frameshift and premature protein termination (p.Leu17Profs*28). To our knowledge, this variant has not been reported in the literature. This variant is reported in 0.00088% of alleles in individuals of European (Non-Finnish) descent in gnomAD; however, quality metrics indicate that these data may not be reliable. To date, a small number of premature termination variants have been reported, associated with AGO1-related disease (see for example, Niu et al. 2022. PubMed ID: 35060114). In addition, AGO1 is intolerant of loss-of-function variation in gnomAD (pLI=1). However, this variant resides in an exon that is not included in all transcripts, and no disease-associated truncating variants have been reported upstream of this variant. At this time, the clinical significance of this variant is uncertain due to the absence of conclusive functional and genetic evidence.

NM_012199.5(AGO1):c.49dup (p.Leu17fs)

Gene: AGO1 (argonaute RISC component 1; plus strand). Cytogenetic location: 1p34.3.
Variant type: Duplication.
Coding change: c.49dup on transcript NM_012199.5 (MANE Select); coding-DNA position 49, one base duplicated (C; older notation c.49dupC).
Protein change: p.Leu17fs; shifts the reading frame from leucine 17.
Molecular consequence: frameshift variant. On other transcripts: 5 prime UTR variant (1).
Genome position (GRCh38, 1-based): chr1:35,888,450, C duplicated; the last of 7 consecutive C bases (chr1:35,888,444-35,888,450); duplicating any one gives the same sequence. VCF-style (leftmost placement, unchanged base first): chr1-35888443-G-GC. GRCh37 (hg19) VCF-style: chr1-36354044-G-GC.
Other names: c.49dup, p.Leu17fs (NM_001317122.2); c.-177dup (NM_001317123.2); short protein forms L17fs.
Identifiers: ClinVar variation 3356879 (VCV003356879.1).